The following is an entry in ClinVar:

ClinVar aggregate classification (germline): Pathogenic (1 of 4 stars; one submission).

Conditions:
Osteogenesis imperfecta type 8 (OI8). Identifiers: MedGen C1970458, MONDO:0012581, OMIM 610915.

Submission:

Labcorp Genetics (formerly Invitae), Labcorp
Classification: Pathogenic for Osteogenesis imperfecta type 8. Last evaluated: 2023-03-11. Review status: criteria provided, single submitter. Criteria: Invitae Variant Classification Sherloc (09022015). Collection method: clinical testing. Allele origin: germline.
Comment: For these reasons, this variant has been classified as Pathogenic. Algorithms developed to predict the effect of sequence changes on RNA splicing suggest that this variant may disrupt the consensus splice site. Disruption of this splice site has been observed in individual(s) with osteogenesis imperfecta (PMID: 29499418). In at least one individual the data is consistent with being in trans (on the opposite chromosome) from a pathogenic variant. This variant is not present in population databases (gnomAD no frequency). This sequence change affects an acceptor splice site in intron 8 of the P3H1 gene. It is expected to disrupt RNA splicing. Variants that disrupt the donor or acceptor splice site typically lead to a loss of protein function (PMID: 16199547), and loss-of-function variants in P3H1 are known to be pathogenic (PMID: 17277775, 18566967, 19088120, 22281939).

Literature cited by the submitters: PubMed 29499418; PubMed 16199547; PubMed 17277775; PubMed 18566967; PubMed 19088120; PubMed 22281939.

NM_022356.4(P3H1):c.1346-1G>A

Gene: P3H1 (prolyl 3-hydroxylase 1; minus strand). Cytogenetic location: 1p34.2.
Variant type: single nucleotide variant.
Coding change: c.1346-1G>A on transcript NM_022356.4 (MANE Select); the canonical splice acceptor site of the intron before coding-DNA position 1346, G replaced by A.
Molecular consequence: splice acceptor variant.
Genome position (GRCh38, 1-based): chr1:42,752,665, C>T on the plus strand (G>A on the coding strand, the complement: P3H1 is on the minus strand). VCF-style: chr1-42752665-C-T. GRCh37 (hg19) VCF-style: chr1-43218336-C-T.
Other names: c.1346-1G>A (NM_001146289.2, NM_001243246.2).
Identifiers: ClinVar variation 2844944 (VCV002844944.3), dbSNP rs886042897, ClinGen allele CA339956619.